The following is an entry in ClinVar:

ClinVar aggregate classification (germline): Uncertain significance (1 of 4 stars; one submission).

Submission:

Labcorp Genetics (formerly Invitae), Labcorp
Classification: Uncertain significance. Last evaluated: 2025-08-20. Review status: criteria provided, single submitter. Criteria: Invitae Variant Classification Sherloc (09022015). Collection method: clinical testing. Allele origin: germline.
Comment: This sequence change replaces isoleucine, which is neutral and non-polar, with valine, which is neutral and non-polar, at codon 1276 of the ALPK3 protein (p.Ile1276Val). This variant is not present in population databases (gnomAD no frequency). This variant has not been reported in the literature in individuals affected with ALPK3-related conditions. Invitae Evidence Modeling of protein sequence and biophysical properties (such as structural, functional, and spatial information, amino acid conservation, physicochemical variation, residue mobility, and thermodynamic stability) indicates that this missense variant is expected to disrupt ALPK3 protein function with a positive predictive value of 80%. In summary, the available evidence is currently insufficient to determine the role of this variant in disease. Therefore, it has been classified as a Variant of Uncertain Significance.

NM_020778.5(ALPK3):c.3220A>G (p.Ile1074Val)

Gene: ALPK3 (alpha kinase 3; plus strand). Cytogenetic location: 15q25.3.
Variant type: single nucleotide variant.
Coding change: c.3220A>G on transcript NM_020778.5 (MANE Select); coding-DNA position 3220, A replaced by G.
Protein change: p.Ile1074Val; replaces isoleucine 1074 with valine.
Molecular consequence: missense variant.
Genome position (GRCh38, 1-based): chr15:84,857,958, A>G. VCF-style: chr15-84857958-A-G. GRCh37 (hg19) VCF-style: chr15-85401189-A-G.
Other names: short protein forms I1074V.
Identifiers: ClinVar variation 4691304 (VCV004691304.1).
Genomic context (GRCh38, chr15:84,857,958, plus strand): 5'-GCCCTTGCTGCTGCCCGAGGCTCCTGGGGTCCTGGTCCCAGCTCCCTCACTGTCCCTGCC[A>G]TTGTGGTAGACGAGGAGGACCCTGGGCTGGCCTCAGAAGGAGCCAGTGAGGGTGAAGGAG-3'
Protein context (NP_065829.4, residues 1064-1084): PGPSSLTVPA[Ile1074Val]VVDEEDPGLA